The following is an entry in ClinVar:

NM_000368.5(TSC1):c.710C>G (p.Ser237Cys)

Gene: TSC1 (TSC complex subunit 1; minus strand). Cytogenetic location: 9q34.13.
Variant type: single nucleotide variant.
Coding change: c.710C>G on transcript NM_000368.5 (MANE Select); coding-DNA position 710, C replaced by G.
Protein change: p.Ser237Cys; replaces serine 237 with cysteine.
Molecular consequence: missense variant. On other transcripts: intron variant (4), 5 prime UTR variant (1), non-coding transcript variant (5).
Genome position (GRCh38, 1-based): chr9:132,921,390, G>C on the plus strand (C>G on the coding strand, the complement: TSC1 is on the minus strand). VCF-style: chr9-132921390-G-C. GRCh37 (hg19) VCF-style: chr9-135796777-G-C.
Other names: c.710C>G, p.Ser237Cys (NM_001162426.2, NM_001406592.1, NM_001406593.1 and 16 more transcripts); c.557C>G, p.Ser186Cys (NM_001162427.2, NM_001406612.1, NM_001406613.1 and 2 more transcripts); c.347C>G, p.Ser116Cys (NM_001362177.2, NM_001406614.1, NM_001406615.1 and 10 more transcripts); c.-357+429C>G (NM_001406629.1); c.-215+429C>G (NM_001406628.1, NM_001406626.1, NM_001406627.1); c.-384C>G (NM_001406630.1); short protein forms S186C, S116C, S237C.
Identifiers: ClinVar variation 3720860 (VCV003720860.2).

ClinVar aggregate classification (germline): Uncertain significance (1 of 4 stars; one submission).

Conditions:
Tuberous sclerosis 1 (TSC1). Identifiers: Orphanet 805, MedGen C1854465, MONDO:0008612, OMIM 191100.

Submission:

Labcorp Genetics (formerly Invitae), Labcorp
Classification: Uncertain significance for Tuberous sclerosis 1. Last evaluated: 2024-10-18. Review status: criteria provided, single submitter. Criteria: Invitae Variant Classification Sherloc (09022015). Collection method: clinical testing. Allele origin: germline.
Comment: This sequence change replaces serine, which is neutral and polar, with cysteine, which is neutral and slightly polar, at codon 237 of the TSC1 protein (p.Ser237Cys). This variant is not present in population databases (gnomAD no frequency). This variant has not been reported in the literature in individuals affected with TSC1-related conditions. Invitae Evidence Modeling of protein sequence and biophysical properties (such as structural, functional, and spatial information, amino acid conservation, physicochemical variation, residue mobility, and thermodynamic stability) indicates that this missense variant is not expected to disrupt TSC1 protein function with a negative predictive value of 95%. In summary, the available evidence is currently insufficient to determine the role of this variant in disease. Therefore, it has been classified as a Variant of Uncertain Significance.